The following is an entry in ClinVar:

NM_000548.5(TSC2):c.3077del (p.Cys1026fs)

Gene: TSC2 (TSC complex subunit 2; plus strand). Cytogenetic location: 16p13.3.
Variant type: Deletion.
Coding change: c.3077del on transcript NM_000548.5 (MANE Select); coding-DNA position 3077, one base deleted (G; older notation c.3077delG).
Protein change: p.Cys1026fs; shifts the reading frame from cysteine 1026.
Molecular consequence: frameshift variant. On other transcripts: non-coding transcript variant (5).
Genome position (GRCh38, 1-based): chr16:2,079,142, G deleted. VCF-style (leftmost placement, unchanged base first): chr16-2079141-TG-T. GRCh37 (hg19) VCF-style: chr16-2129142-TG-T.
Other names: c.2945del, p.Cys982fs (NM_001077183.3, NM_001370404.1, NM_001406665.1); c.3077del, p.Cys1026fs (NM_001114382.3); c.2837del, p.Cys946fs (NM_001318827.2); c.2801del, p.Cys934fs (NM_001318829.2); c.2345del, p.Cys782fs (NM_001318831.2, NM_001406687.1, NM_001406688.1); c.2978del, p.Cys993fs (NM_001318832.2); c.2948del, p.Cys983fs (NM_001363528.2, NM_001370405.1, NM_021055.3); c.3074del, p.Cys1025fs (NM_001406663.1, NM_001406664.1); and 18 more; short protein forms C1026fs, C448fs, C783fs, C826fs, C934fs, C976fs, C977fs, C983fs.
Identifiers: ClinVar variation 3649559 (VCV003649559.2).

ClinVar aggregate classification (germline): Pathogenic (1 of 4 stars; one submission).

Conditions:
Tuberous sclerosis 2 (TSC2). Identifiers: Orphanet 805, MedGen C1860707, MONDO:0013199, OMIM 613254.

Submission:

Labcorp Genetics (formerly Invitae), Labcorp
Classification: Pathogenic for Tuberous sclerosis 2. Last evaluated: 2024-06-10. Review status: criteria provided, single submitter. Criteria: Invitae Variant Classification Sherloc (09022015). Collection method: clinical testing. Allele origin: germline.
Comment: This sequence change creates a premature translational stop signal (p.Cys1026Phefs*4) in the TSC2 gene. It is expected to result in an absent or disrupted protein product. Loss-of-function variants in TSC2 are known to be pathogenic (PMID: 10205261, 17304050). This variant is not present in population databases (gnomAD no frequency). This variant has not been reported in the literature in individuals affected with TSC2-related conditions. For these reasons, this variant has been classified as Pathogenic.

Literature cited by the submitters: PubMed 10205261; PubMed 17304050.